The following is an entry in ClinVar:

ClinVar aggregate classification (germline): Uncertain significance (1 of 4 stars; one submission).

Submissions (2):

Labcorp Genetics (formerly Invitae), Labcorp
Classification: Uncertain significance. Last evaluated: 2021-11-06. Review status: criteria provided, single submitter. Criteria: Invitae Variant Classification Sherloc (09022015). Collection method: clinical testing. Allele origin: germline.
Comment: This sequence change affects codon 1411 of the BRWD3 mRNA. It is a 'silent' change, meaning that it does not change the encoded amino acid sequence of the BRWD3 protein. This variant also falls at the last nucleotide of exon 37, which is part of the consensus splice site for this exon. In summary, the available evidence is currently insufficient to determine the role of this variant in disease. Therefore, it has been classified as a Variant of Uncertain Significance. Variants that disrupt the consensus splice site are a relatively common cause of aberrant splicing (PMID: 17576681, 9536098). Algorithms developed to predict the effect of sequence changes on RNA splicing suggest that this variant may disrupt the consensus splice site. This variant has not been reported in the literature in individuals affected with BRWD3-related conditions. This variant is not present in population databases (gnomAD no frequency).

Dr. Peter K. Rogan Lab, Western University
No classification provided (evidence only). Condition: Thyroid cancer, nonmedullary, 1. Review status: no classification provided. Collection method: in vitro. Allele origin: not applicable. Functional consequence: retained intron. Not counted in ClinVar's aggregate classification.

Literature cited by the submitters: PubMed 17576681 (cited by Labcorp Genetics (formerly Invitae), Labcorp); PubMed 9536098 (cited by Labcorp Genetics (formerly Invitae), Labcorp).

NM_153252.5(BRWD3):c.4233G>A (p.Arg1411=)

Gene: BRWD3 (bromodomain and WD repeat domain containing 3; minus strand). Cytogenetic location: Xq21.1.
Variant type: single nucleotide variant.
Coding change: c.4233G>A on transcript NM_153252.5 (MANE Select); coding-DNA position 4233, G replaced by A.
Protein change: p.Arg1411=; no amino-acid change (arginine 1411 retained).
Molecular consequence: synonymous variant.
Genome position (GRCh38, 1-based): chrX:80,684,010, C>T on the plus strand (G>A on the coding strand, the complement: BRWD3 is on the minus strand). VCF-style: chrX-80684010-C-T. GRCh37 (hg19) VCF-style: chrX-79939509-C-T.
Identifiers: ClinVar variation 1411823 (VCV001411823.7), dbSNP rs2147678359, ClinGen allele CA517058793.
Genomic context (GRCh38, chrX:80,684,010, plus strand): 5'-CAATTTTCAGTAACTGGTTAAAGAAAACTGCCTGATAATTAACCCAACTAATAATCATAC[C>T]CTTGACTTTTTATTAGAGGTATAAGCTTTGGAGTTGTTGAATATTTGGCGAACATCCTTA-3'
Protein context (NP_694984.5, residues 1401-1421): SKAYTSNKKS[Arg1411=]IYSMMLRLSA